The following is an entry in ClinVar:

NM_000135.4(FANCA):c.3382C>G (p.Gln1128Glu)

Genes: FANCA (FA complementation group A; minus strand), LOC132090450 (Neanderthal introgressed variant-containing enhancer experimental_46718; plus strand). Cytogenetic location: 16q24.3.
Variant type: single nucleotide variant.
Coding change: c.3382C>G on transcript NM_000135.4 (MANE Select); coding-DNA position 3382, C replaced by G.
Protein change: p.Gln1128Glu; replaces glutamine 1128 with glutamic acid.
Molecular consequence: missense variant.
Genome position (GRCh38, 1-based): chr16:89,746,857, G>C on the plus strand (C>G on the coding strand, the complement: FANCA is on the minus strand). VCF-style: chr16-89746857-G-C. GRCh37 (hg19) VCF-style: chr16-89813265-G-C.
Other names: c.3382C>G, p.Gln1128Glu (NM_001286167.3); c.3382C>G (LRG_495t1); short protein forms Q1128E.
Identifiers: ClinVar variation 551847 (VCV000551847.16), dbSNP rs1439817346, ClinGen allele CA397486096.

ClinVar aggregate classification (germline): Uncertain significance. Review status: criteria provided, multiple submitters, no conflicts (2 of 4 stars). 5 submissions from 5 submitters: Uncertain significance (3). 2 of the submissions do not count toward it. Last evaluated 2024-10-21.

Conditions:
Fanconi anemia (FA). Also called: Fanconi's anemia. Identifiers: Orphanet 84, MedGen C0015625, MeSH D005199, MONDO:0019391.
Fanconi anemia complementation group A (FANCA). Also called: Fanconi anemia, group A; FANCA-Related Fanconi Anemia. Identifiers: Orphanet 84, MedGen C3469521, MONDO:0009215, OMIM 227650.

Allele frequency attached by ClinVar (database versions not stated): gnomAD exomes below 0.00001; gnomAD 0.00001; TOPMed 0.00001.
gnomAD v4.1: 7 of 1,562,520 alleles (0.00045%); highest among the groups gnomAD compares: African/African-American, 0.0027%; no homozygotes.

Submissions (5):

Labcorp Genetics (formerly Invitae), Labcorp
Classification: Uncertain significance for Fanconi anemia. Last evaluated: 2024-10-21. Review status: criteria provided, single submitter. Criteria: Invitae Variant Classification Sherloc (09022015). Collection method: clinical testing. Allele origin: germline.
Comment: This sequence change replaces glutamine, which is neutral and polar, with glutamic acid, which is acidic and polar, at codon 1128 of the FANCA protein (p.Gln1128Glu). This variant is not present in population databases (gnomAD no frequency). This missense change has been observed in individual(s) with Fanconi anemia (PMID: 9371798). ClinVar contains an entry for this variant (Variation ID: 551847). Invitae Evidence Modeling of protein sequence and biophysical properties (such as structural, functional, and spatial information, amino acid conservation, physicochemical variation, residue mobility, and thermodynamic stability) indicates that this missense variant is not expected to disrupt FANCA protein function with a negative predictive value of 95%. Experimental studies have shown that this missense change affects FANCA function (PMID: 16946016, 30057198). In summary, the available evidence is currently insufficient to determine the role of this variant in disease. Therefore, it has been classified as a Variant of Uncertain Significance.

Myriad Genetics, Inc.
Classification: Uncertain significance for Fanconi anemia complementation group A. Last evaluated: 2021-11-08. Review status: criteria provided, single submitter. Criteria: Myriad Women's Health Autosomal Recessive and X-Linked Classification Criteria (2021). Collection method: clinical testing. Allele origin: unknown.
Comment: NM_000135.2(FANCA):c.3382C>G(Q1128E) is a missense variant classified as a variant of uncertain significance in the context of Fanconi anemia complementation group A. Q1128E has been observed in cases with relevant disease (PMID: 9371798). Functional assessments of this variant are available in the literature (PMID: 30057198, 12444097, 16946016). Q1128E has not been observed in population frequency databases. In summary, there is insufficient evidence to classify NM_000135.2(FANCA):c.3382C>G(Q1128E) as pathogenic or benign. Please note: this variant was assessed in the context of healthy population screening.

Blueprint Genetics
Classification: Uncertain significance. Last evaluated: 2020-06-11. Review status: criteria provided, single submitter. Criteria: ACMG Guidelines, 2015. Collection method: clinical testing. Allele origin: germline.

Natera, Inc.
Classification: Uncertain significance for Fanconi anemia. Last evaluated: 2021-01-20. Review status: no assertion criteria provided. Collection method: clinical testing. Allele origin: germline. Not counted in ClinVar's aggregate classification.

Leiden Open Variation Database
Classification: Pathogenic for Fanconi anemia complementation group A. Last evaluated: 2020-02-28. Review status: no assertion criteria provided. Collection method: curation. Allele origin: germline. Affected: yes. Not counted in ClinVar's aggregate classification.
Comment: Curator: Arleen D. Auerbach. Submitter to LOVD: Arleen D. Auerbach.

Literature cited by the submitters: PubMed 9371798 (cited by Labcorp Genetics (formerly Invitae), Labcorp and Myriad Genetics, Inc.); PubMed 16946016 (cited by Labcorp Genetics (formerly Invitae), Labcorp and Myriad Genetics, Inc.); PubMed 30057198 (cited by Labcorp Genetics (formerly Invitae), Labcorp and Myriad Genetics, Inc.); PubMed 12444097 (cited by Myriad Genetics, Inc. and Leiden Open Variation Database).